The following is an entry in ClinVar:

ClinVar aggregate classification (germline): Uncertain significance. Review status: criteria provided, multiple submitters, no conflicts (2 of 4 stars). 2 submissions from 2 submitters: Uncertain significance (2). Last evaluated 2021-11-12.

Allele frequency attached by ClinVar (database versions not stated): gnomAD 0.00001; gnomAD exomes 0.00001; TOPMed 0.00001.
gnomAD v4.1: 37 of 1,613,676 alleles (0.0023%); highest among the groups gnomAD compares: Non-Finnish European, 0.0027%; no homozygotes.

Submissions (2):

Blueprint Genetics
Classification: Uncertain significance. Last evaluated: 2021-11-12. Review status: criteria provided, single submitter. Criteria: ACMG Guidelines, 2015. Collection method: clinical testing. Allele origin: germline.

Labcorp Genetics (formerly Invitae), Labcorp
Classification: Uncertain significance. Last evaluated: 2021-08-27. Review status: criteria provided, single submitter. Criteria: Invitae Variant Classification Sherloc (09022015). Collection method: clinical testing. Allele origin: germline.
Comment: This sequence change replaces valine with phenylalanine at codon 229 of the RBP3 protein (p.Val229Phe). The valine residue is highly conserved and there is a small physicochemical difference between valine and phenylalanine. This variant is not present in population databases (ExAC no frequency). This variant has not been reported in the literature in individuals affected with RBP3-related conditions. Algorithms developed to predict the effect of missense changes on protein structure and function (SIFT, PolyPhen-2, Align-GVGD) all suggest that this variant is likely to be disruptive. In summary, the available evidence is currently insufficient to determine the role of this variant in disease. Therefore, it has been classified as a Variant of Uncertain Significance.

NM_002900.3(RBP3):c.685G>T (p.Val229Phe)

Gene: RBP3 (retinol binding protein 3; plus strand). Cytogenetic location: 10q11.22.
Variant type: single nucleotide variant.
Coding change: c.685G>T on transcript NM_002900.3 (MANE Select); coding-DNA position 685, G replaced by T.
Protein change: p.Val229Phe; replaces valine 229 with phenylalanine.
Molecular consequence: missense variant.
Genome position (GRCh38, 1-based): chr10:47,349,169, G>T. VCF-style: chr10-47349169-G-T. GRCh37 (hg19) VCF-style: chr10-48390193-C-A.
Other names: short protein forms V229F.
Identifiers: ClinVar variation 969613 (VCV000969613.8), dbSNP rs926459011, ClinGen allele CA206460559.
Genomic context (GRCh38, chr10:47,349,169, plus strand): 5'-GAGATCTGGACCTTGCCCCAGGTCCTGGGAGAAAGGTACGGTGCCGACAAGGATGTGGTG[G>T]TCCTCACCAGCAGCCAGACCAGGGGCGTGGCCGAGGACATCGCGCACATCCTTAAGCAGA-3'
Protein context (NP_002891.1, residues 219-239): ERYGADKDVV[Val229Phe]LTSSQTRGVA